The following is an entry in ClinVar:

ClinVar aggregate classification (germline): Uncertain significance (1 of 4 stars; one submission).

Conditions:
Hereditary cancer-predisposing syndrome. Also called: Neoplastic Syndromes, Hereditary; Tumor predisposition; Hereditary neoplastic syndrome; Hereditary Cancer Syndrome. Identifiers: Orphanet 140162, MedGen C0027672, MeSH D009386, MONDO:0015356.

Submission:

Ambry Genetics
Classification: Uncertain significance for Hereditary cancer-predisposing syndrome. Last evaluated: 2023-02-27. Review status: criteria provided, single submitter. Criteria: Ambry Variant Classification Scheme 2023. Collection method: clinical testing. Allele origin: germline.
Comment: The c.428delGinsTAA variant, located in coding exon 1 of the CDKN1B gene, results from the deletion of one nucleotide and insertion of 3 nucleotides causing a translational frameshift with a predicted alternate stop codon (p.G143Vfs*3). In silico splice site analysis predicts that this alteration will result in the creation or strengthening of a novel splice donor site. RNA studies have demonstrated that this alteration results in a transcript that is not expected to trigger nonsense-mediated mRNAdecay, and only impacts the last 55 amino acids of the protein (Ambry internal data). The exact functional effect of this alteration is unknown. Since supporting evidence is limited at this time, the clinical significance of this alteration remains unclear.

NM_004064.5(CDKN1B):c.428delinsTAA (p.Gly143fs)

Gene: CDKN1B (cyclin dependent kinase inhibitor 1B; plus strand). Cytogenetic location: 12p13.1.
Variant type: Indel.
Coding change: c.428delinsTAA on transcript NM_004064.5 (MANE Select); coding-DNA position 428, G replaced by TAA.
Protein change: p.Gly143fs; shifts the reading frame from glycine 143.
Molecular consequence: frameshift variant.
Genome position (GRCh38, 1-based): chr12:12,718,267, G replaced by TAA. VCF-style: chr12-12718267-G-TAA. GRCh37 (hg19) VCF-style: chr12-12871201-G-TAA.
Other names: short protein forms G143fs.
Identifiers: ClinVar variation 2450790 (VCV002450790.2), dbSNP rs2497405763, ClinGen allele CA2580085210.
Genomic context (GRCh38, chr12:12,718,267, plus strand): 5'-CTAACTCTGAGGACACGCATTTGGTGGACCCAAAGACTGATCCGTCGGACAGCCAGACGG[G>TAA]GTTAGCGGAGCAATGCGCAGGAATAAGGAAGCGACCTGCAACCGACGGTAATGACCCTTT-3'